The following is an entry in ClinVar:

NM_003000.3(SDHB):c.18_19delinsAT (p.Leu7Phe)

Gene: SDHB (succinate dehydrogenase complex iron sulfur subunit B; minus strand). Cytogenetic location: 1p36.13.
Variant type: Indel.
Coding change: c.18_19delinsAT on transcript NM_003000.3 (MANE Select); coding-DNA positions 18 to 19, CC replaced by AT.
Protein change: p.Leu7Phe; replaces leucine 7 with phenylalanine.
Molecular consequence: missense variant.
Genome position (GRCh38, 1-based): chr1:17,054,001-17,054,002, GG replaced by AT on the plus strand (CC replaced by AT on the coding strand, the reverse complement: SDHB is on the minus strand). VCF-style: chr1-17054001-GG-AT. GRCh37 (hg19) VCF-style: chr1-17380496-GG-AT.
Other names: c.18_19delCCinsAT (NM_003000.2); short protein forms L7F.
Identifiers: ClinVar variation 1024167 (VCV001024167.6), dbSNP rs2078164049, ClinGen allele CA1156102218.

ClinVar aggregate classification (germline): Uncertain significance. Review status: criteria provided, multiple submitters, no conflicts (2 of 4 stars). 2 submissions from 2 submitters: Uncertain significance (2). Last evaluated 2025-03-13.

Conditions:
Hereditary cancer-predisposing syndrome. Also called: Tumor predisposition; Neoplastic Syndromes, Hereditary; Hereditary neoplastic syndrome; Hereditary Cancer Syndrome. Identifiers: Orphanet 140162, MedGen C0027672, MeSH D009386, MONDO:0015356.
Pheochromocytoma. Also called: MAX-Related Hereditary Paraganglioma-Pheochromocytoma Syndrome. Identifiers: Orphanet 29072, MedGen C0031511, MONDO:0008233, OMIM 171300, HP:0002666.
Gastrointestinal stromal tumor. Also called: Gastrointestinal stromal tumor, somatic; Gastrointestinal stroma tumor. Identifiers: Orphanet 44890, MedGen C0238198, MeSH D046152, MONDO:0011719, OMIM 606764, HP:0100723.
Pheochromocytoma/paraganglioma syndrome 4. Also called: CAROTID BODY TUMORS AND MULTIPLE EXTRAADRENAL PHEOCHROMOCYTOMAS; SDHB-Related Hereditary Paraganglioma-Pheochromocytoma Syndrome (Paragangliomas 4); Paragangliomas 4; SDHB-Related Hereditary Paraganglioma-Pheochromocytoma Syndrome; PARAGANGLIOMA, FAMILIAL MALIGNANT; PARAGANGLIOMAS, HEREDITARY EXTRAADRENAL. Identifiers: Orphanet 29072, MedGen C1861848, MONDO:0007273, OMIM 115310.

Submissions (2):

Labcorp Genetics (formerly Invitae), Labcorp
Classification: Uncertain significance for Gastrointestinal stromal tumor; Pheochromocytoma/paraganglioma syndrome 4; Pheochromocytoma. Last evaluated: 2025-03-13. Review status: criteria provided, single submitter. Criteria: Invitae Variant Classification Sherloc (09022015). Collection method: clinical testing. Allele origin: germline.
Comment: This sequence change replaces leucine, which is neutral and non-polar, with phenylalanine, which is neutral and non-polar, at codon 7 of the SDHB protein (p.Leu7Phe). Information on the frequency of this variant in the gnomAD database is not available, as this variant may be reported differently in the database. This variant has not been reported in the literature in individuals affected with SDHB-related conditions. ClinVar contains an entry for this variant (Variation ID: 1024167). Experimental studies and prediction algorithms are not available or were not evaluated, and the functional significance of this variant is currently unknown. In summary, the available evidence is currently insufficient to determine the role of this variant in disease. Therefore, it has been classified as a Variant of Uncertain Significance.

Ambry Genetics
Classification: Uncertain significance for Hereditary cancer-predisposing syndrome. Last evaluated: 2025-02-10. Review status: criteria provided, single submitter. Criteria: Ambry Variant Classification Scheme 2023. Collection method: clinical testing. Allele origin: germline.
Comment: The c.18_19delCCinsAT variant (also known as p.L7F), located in coding exon 1 of the SDHB gene, results from an in-frame deletion of CC and insertion of AT at nucleotide positions 18 to 19. This results in the substitution of the leucine residue for a phenylalanine residue at codon 7, an amino acid with highly similar properties. This amino acid position is poorly conserved in available vertebrate species. In addition, this alteration is predicted to be neutral by in silico analysis (Choi Y et al. PLoS ONE. 2012; 7(10):e46688). Based on the available evidence, the clinical significance of this variant remains unclear.